The following is an entry in ClinVar:

NM_001723.7(DST):c.7262A>G (p.Gln2421Arg)

Gene: DST (dystonin; minus strand). Cytogenetic location: 6p12.1.
Variant type: single nucleotide variant.
Coding change: c.7262A>G on transcript NM_001723.7 (MANE Plus Clinical); coding-DNA position 7262, A replaced by G.
Protein change: p.Gln2421Arg; replaces glutamine 2421 with arginine.
Molecular consequence: missense variant. On other transcripts: intron variant (10).
Genome position (GRCh38, 1-based): chr6:56,616,205, T>C on the plus strand (A>G on the coding strand, the complement: DST is on the minus strand). VCF-style: chr6-56616205-T-C. GRCh37 (hg19) VCF-style: chr6-56481003-T-C.
Other names: c.4831-1721A>G (NM_001144769.5); c.4930-1721A>G (NM_001374722.1, NM_001374736.1); c.4957-1721A>G (NM_001374734.1); c.4417-1721A>G (NM_001144770.2); c.4297-1721A>G (NM_001374730.1, NM_001386100.1, NM_183380.4 and 1 more transcripts); c.3319-1721A>G (NM_015548.5); short protein forms Q2421R.
Identifiers: ClinVar variation 999961 (VCV000999961.11), dbSNP rs896140384, ClinGen allele CA139205424.

ClinVar aggregate classification (germline): Uncertain significance (1 of 4 stars; one submission).

Conditions:
Epidermolysis bullosa simplex 3, localized or generalized intermediate, with BP230 deficiency (EBS3). Also called: Epidermolysis bullosa simplex, autosomal recessive 2; Epidermolysis bullosa simplex due to BP230 deficiency. Identifiers: Orphanet 412181, MedGen C3809470, MONDO:0014180, OMIM 615425.
Hereditary sensory and autonomic neuropathy type 6. Also called: HSAN VI; Neuropathy, hereditary sensory and autonomic, type VI. Identifiers: Orphanet 314381, MedGen C3539003, MONDO:0013839, OMIM 614653.

Allele frequency attached by ClinVar (database versions not stated): gnomAD exomes below 0.00001; TOPMed below 0.00001; gnomAD 0.00001.
gnomAD v4.1: 3 of 1,614,088 alleles (0.00019%); highest among the groups gnomAD compares: Non-Finnish European, 0.00025%; no homozygotes.

Submission:

Labcorp Genetics (formerly Invitae), Labcorp
Classification: Uncertain significance for Epidermolysis bullosa simplex 3, localized or generalized intermediate, with BP230 deficiency; Hereditary sensory and autonomic neuropathy type 6. Last evaluated: 2020-02-22. Review status: criteria provided, single submitter. Criteria: Invitae Variant Classification Sherloc (09022015). Collection method: clinical testing. Allele origin: germline.
Comment: This sequence change replaces glutamine with arginine at codon 2421 of the DST protein (p.Gln2421Arg). The glutamine residue is weakly conserved and there is a small physicochemical difference between glutamine and arginine. This variant is not present in population databases (ExAC no frequency). This variant has not been reported in the literature in individuals with DST-related conditions. Algorithms developed to predict the effect of missense changes on protein structure and function are either unavailable or do not agree on the potential impact of this missense change (SIFT: "Deleterious"; PolyPhen-2: "Benign"; Align-GVGD: "Class C0"). In summary, the available evidence is currently insufficient to determine the role of this variant in disease. Therefore, it has been classified as a Variant of Uncertain Significance.